The following is an entry in ClinVar:

ClinVar aggregate classification (germline): Likely pathogenic (1 of 4 stars; one submission).

Submission:

GeneDx
Classification: Likely pathogenic. Last evaluated: 2014-01-12. Review status: criteria provided, single submitter. Criteria: GeneDx Variant Classification (06012015). Collection method: clinical testing. Allele origin: germline. Affected: yes.
Comment: p.Cys102Phe (TGC>TTC): c.305 G>T in exon 4 of the FBN1 gene (NM_000138.4)The C102F variant in the FBN1 gene has not been reported as a disease-causing mutation or as a benign polymorphism to our knowledge. The C102F variant is a non-conservative amino acid substitution as these residues differ in polarity, charge, size and/or other properties and is more likely to impact secondary structure. The Cysteine102 residue is conserved across species. In silico analysis predicts C102F is damaging to the protein structure/function. The C102F variant was not observed in approximately 6,500 individuals of European and African American ancestry in the NHLBI Exome Sequencing Project, indicating it is not a common benign variant in these populations. Furthermore, mutations in nearby residues (C100Y, T101A, C111R) have been reported in association with Marfan syndrome, further supporting the functional importance of this region of the protein. Lastly, Cysteine substitutions in FBN1 represent the vast majority of pathogenic missense changes associated with Marfan syndrome.In summary, while C102F is a good candidate for a disease-causing mutation, with the clinical and molecular information available at this time we cannot unequivocally determine the clinical significance of this variant. The variant is found in TAAD panel(s).

NM_000138.5(FBN1):c.305G>T (p.Cys102Phe)

Gene: FBN1 (fibrillin 1; minus strand). Cytogenetic location: 15q21.1.
Variant type: single nucleotide variant.
Coding change: c.305G>T on transcript NM_000138.5 (MANE Select); coding-DNA position 305, G replaced by T.
Protein change: p.Cys102Phe; replaces cysteine 102 with phenylalanine.
Molecular consequence: missense variant.
Genome position (GRCh38, 1-based): chr15:48,610,769, C>A on the plus strand (G>T on the coding strand, the complement: FBN1 is on the minus strand). VCF-style: chr15-48610769-C-A. GRCh37 (hg19) VCF-style: chr15-48902966-C-A.
Other names: p.C102F:TGC>TTC; short protein forms C102F.
Identifiers: ClinVar variation 200143 (VCV000200143.2), dbSNP rs794728292, ClinGen allele CA013737.
Genomic context (GRCh38, chr15:48,610,769, plus strand): 5'-AATGACATGTTAGACTTACTGGATCTGGAGCCACAGGAAGGAGCTATCTGACCAGATGGG[C>A]AAGTGCACATATTTGGCCTCGAACAAAATCCATCCCCACAGGAATGCCGGCAAATGGCTG-3'
Protein context (NP_000129.3, residues 92-112): GFCSRPNMCT[Cys102Phe]PSGQIAPSCG